The following is an entry in ClinVar:

NM_004183.4(BEST1):c.598C>T (p.Arg200Ter)

Gene: BEST1 (bestrophin 1; plus strand). Cytogenetic location: 11q12.3.
Variant type: single nucleotide variant.
Coding change: c.598C>T on transcript NM_004183.4 (MANE Select); coding-DNA position 598, C replaced by T.
Protein change: p.Arg200Ter; replaces arginine 200 with a stop codon.
Molecular consequence: nonsense. On other transcripts: non-coding transcript variant (1).
Genome position (GRCh38, 1-based): chr11:61,956,960, C>T. VCF-style: chr11-61956960-C-T. GRCh37 (hg19) VCF-style: chr11-61724432-C-T.
Other names: c.418C>T, p.Arg140Ter (NM_001139443.3, NM_001300786.2, NM_001300787.2); c.280C>T, p.Arg94Ter (NM_001363591.3); c.598C>T, p.Arg200Ter (NM_001363592.2); c.-578C>T (NM_001363593.3); short protein forms R200*, R94*, R140*.
Identifiers: ClinVar variation 2741 (VCV000002741.14), dbSNP rs121918286, ClinGen allele CA115725.
Genomic context (GRCh38, chr11:61,956,960, plus strand): 5'-ATGTTCTGGGTGCCCTGGGTGTGGTTTGCCAACCTGTCAATGAAGGCGTGGCTTGGAGGT[C>T]GAATCCGGGACCCTATCCTGCTCCAGAGCCTGCTGAACGTGAGCCCACTGTACAGACAGG-3'

ClinVar aggregate classification (germline): Pathogenic. Review status: criteria provided, multiple submitters, no conflicts (2 of 4 stars). 6 submissions from 6 submitters: Pathogenic (5). 1 of the submissions does not count toward it. Last evaluated 2025-06-16.

Conditions:
BEST1-related disorder. Also called: BEST1-related condition; BEST1-related disorders. Identifiers: MedGen CN239200.
Autosomal dominant vitreoretinochoroidopathy. Also called: Autosomal Dominant Vitreoretinochoroidopathy (ADVIRC); VITREORETINOCHOROIDOPATHY, AUTOSOMAL DOMINANT, WITH NANOPHTHALMOS; VITREORETINOCHOROIDOPATHY WITH MICROCORNEA, GLAUCOMA, AND CATARACT. Identifiers: Orphanet 263347, Orphanet 3086, MedGen C3888099, MONDO:0008662, OMIM 193220.
Retinitis pigmentosa 50 (RP50). Also called: Retinitis pigmentosa, concentric. Identifiers: Orphanet 791, MedGen C2750789, MONDO:0013175, OMIM 613194.
Vitelliform macular dystrophy 2. Also called: Best Vitelliform Macular Dystrophy (BVMD); VITELLIFORM MACULAR DYSTROPHY, EARLY-ONSET; VITELLIFORM MACULAR DYSTROPHY, JUVENILE-ONSET; Best vitelliform macular dystrophy, multifocal; MACULAR DEGENERATION, POLYMORPHIC VITELLINE; Best Macular Dystrophy. Identifiers: Orphanet 1243, MedGen C2745945, MONDO:0007931, OMIM 153700.
Autosomal recessive bestrophinopathy. Also called: Autosomal Recessive Bestrophinopathy (ARB). Identifiers: Orphanet 139455, MedGen C3888198, MONDO:0012733, OMIM 611809.
Retinal dystrophy. Also called: Inherited retinal dystrophy. Identifiers: Orphanet 71862, MedGen C0854723, MeSH D058499, MONDO:0019118, HP:0000556.

Allele frequency attached by ClinVar (database versions not stated): gnomAD exomes below 0.00001 and 0.00001; ExAC 0.00002; TOPMed 0.00002; gnomAD 0.00003 and 0.00004.

Submissions (6):

PreventionGenetics, part of Exact Sciences
Classification: Pathogenic for BEST1-related condition. Last evaluated: 2025-06-16. Review status: criteria provided, single submitter. Criteria: ACMG Guidelines, 2015. Collection method: clinical testing. Allele origin: germline.
Comment: The BEST1 c.598C>T variant is predicted to result in premature protein termination (p.Arg200*). This variant has been reported in the homozygous state and in the heterozygous state along with a second BEST1 variant in individuals with autosomal recessive bestrophinopathy (see for examples: Burgess et al. 2008. PubMed ID: 18179881; Wang et al. 2022. PubMed ID: 35973442; Bianco et al. 2024. PubMed ID: 37041716). This variant has also been reported in the heterozygous state in the absence of a second BEST1 variant in an individual with best vitelliform macular dystrophy (Frecer et al. 2019. PubMed ID: 31570112). This variant is present in 0.015% of alleles in individuals of East Asian descent in gnomAD. Nonsense variants in BEST1 are an established mechanism of disease. This variant is interpreted as pathogenic for autosomal recessive disease.

Labcorp Genetics (formerly Invitae), Labcorp
Classification: Pathogenic. Last evaluated: 2025-03-17. Review status: criteria provided, single submitter. Criteria: Invitae Variant Classification Sherloc (09022015). Collection method: clinical testing. Allele origin: germline.
Comment: This sequence change creates a premature translational stop signal (p.Arg200*) in the BEST1 gene. It is expected to result in an absent or disrupted protein product. Loss-of-function variants in BEST1 are known to be pathogenic (PMID: 21825197). This variant is present in population databases (rs121918286, gnomAD 0.02%). This premature translational stop signal has been observed in individuals with autosomal recessive bestrophinopathy (PMID: 18179881, 21412020). ClinVar contains an entry for this variant (Variation ID: 2741). Algorithms developed to predict the effect of sequence changes on RNA splicing suggest that this variant may disrupt the consensus splice site. For these reasons, this variant has been classified as Pathogenic.

Fulgent Genetics
Classification: Pathogenic for Vitelliform macular dystrophy 2; Autosomal dominant vitreoretinochoroidopathy; Autosomal recessive bestrophinopathy; Retinitis pigmentosa 50. Last evaluated: 2022-02-02. Review status: criteria provided, single submitter. Criteria: ACMG Guidelines, 2015. Collection method: clinical testing. Allele origin: unknown.

Blueprint Genetics
Classification: Pathogenic for BEST1-related disorders. Last evaluated: 2020-01-15. Review status: criteria provided, single submitter. Criteria: ACMG Guidelines, 2015. Collection method: clinical testing. Allele origin: germline. Affected: yes. Observed: 1 variant allele.

Institute of Human Genetics, Univ. Regensburg, Univ. Regensburg
Classification: Pathogenic for Retinal dystrophy. Last evaluated: 2018-01-01. Review status: criteria provided, single submitter. Criteria: ACMG Guidelines, 2015. Collection method: clinical testing. Allele origin: germline. Affected: yes.

OMIM
Classification: Pathogenic for BESTROPHINOPATHY, AUTOSOMAL RECESSIVE. Last evaluated: 2008-01-01. Review status: no assertion criteria provided. Collection method: literature only. Allele origin: germline. Not counted in ClinVar's aggregate classification.

Literature cited by the submitters: PubMed 21825197 (cited by Labcorp Genetics (formerly Invitae), Labcorp); PubMed 18179881 (cited by 3 submitters); PubMed 21412020 (cited by Labcorp Genetics (formerly Invitae), Labcorp and Institute of Human Genetics, Univ. Regensburg, Univ. Regensburg); PubMed 24560797 (cited by Institute of Human Genetics, Univ. Regensburg, Univ. Regensburg); PubMed 25525159 (cited by Institute of Human Genetics, Univ. Regensburg, Univ. Regensburg); PubMed 31570112 (cited by Institute of Human Genetics, Univ. Regensburg, Univ. Regensburg); PubMed 35973442 (cited by Institute of Human Genetics, Univ. Regensburg, Univ. Regensburg).